The following is an entry in ClinVar:

NM_170601.5(SIAE):c.733T>C (p.Tyr245His)

Gene: SIAE (sialic acid acetylesterase; minus strand). Cytogenetic location: 11q24.2.
Variant type: single nucleotide variant.
Coding change: c.733T>C on transcript NM_170601.5 (MANE Select); coding-DNA position 733, T replaced by C.
Protein change: p.Tyr245His; replaces tyrosine 245 with histidine.
Molecular consequence: missense variant.
Genome position (GRCh38, 1-based): chr11:124,648,165, A>G on the plus strand (T>C on the coding strand, the complement: SIAE is on the minus strand). VCF-style: chr11-124648165-A-G. GRCh37 (hg19) VCF-style: chr11-124518061-A-G.
Other names: c.628T>C, p.Tyr210His (NM_001199922.2); short protein forms Y210H, Y245H.
Identifiers: ClinVar variation 1947222 (VCV001947222.5), dbSNP rs756904080, ClinGen allele CA6341420.

ClinVar aggregate classification (germline): Uncertain significance (1 of 4 stars; one submission).

Allele frequency attached by ClinVar (database versions not stated): gnomAD exomes 0.00001; TOPMed 0.00003; ExAC 0.00004.
gnomAD v4.1: 8 of 1,613,634 alleles (0.0005%); highest among the groups gnomAD compares: Admixed American, 0.0083%; no homozygotes.

Submission:

Labcorp Genetics (formerly Invitae), Labcorp
Classification: Uncertain significance. Last evaluated: 2023-12-23. Review status: criteria provided, single submitter. Criteria: Invitae Variant Classification Sherloc (09022015). Collection method: clinical testing. Allele origin: germline.
Comment: This sequence change replaces tyrosine, which is neutral and polar, with histidine, which is basic and polar, at codon 245 of the SIAE protein (p.Tyr245His). This variant is present in population databases (rs756904080, gnomAD 0.01%). This variant has not been reported in the literature in individuals affected with SIAE-related conditions. ClinVar contains an entry for this variant (Variation ID: 1947222). An algorithm developed to predict the effect of missense changes on protein structure and function (PolyPhen-2) suggests that this variant is likely to be tolerated. In summary, the available evidence is currently insufficient to determine the role of this variant in disease. Therefore, it has been classified as a Variant of Uncertain Significance.